The following is an entry in ClinVar:

NM_001134831.2(AHI1):c.2624-2A>G

Gene: AHI1 (Abelson helper integration site 1; minus strand). Cytogenetic location: 6q23.3.
Variant type: single nucleotide variant.
Coding change: c.2624-2A>G on transcript NM_001134831.2 (MANE Select); the canonical splice acceptor site of the intron before coding-DNA position 2624, A replaced by G.
Molecular consequence: splice acceptor variant.
Genome position (GRCh38, 1-based): chr6:135,427,309, T>C on the plus strand (A>G on the coding strand, the complement: AHI1 is on the minus strand). VCF-style: chr6-135427309-T-C. GRCh37 (hg19) VCF-style: chr6-135748447-T-C.
Other names: c.2624-2A>G (NM_001134830.2, NM_001350503.2, NM_017651.5 and 2 more transcripts).
Identifiers: ClinVar variation 2824594 (VCV002824594.3), dbSNP rs2484508005, ClinGen allele CA365741501.

ClinVar aggregate classification (germline): Likely pathogenic (1 of 4 stars; one submission).

Conditions:
Joubert syndrome. Also called: CEREBELLOPARENCHYMAL DISORDER IV; JOUBERT-BOLTSHAUSER SYNDROME; Familial aplasia of the vermis. Identifiers: Orphanet 475, MedGen C5979921, MONDO:0018772.

Submission:

Labcorp Genetics (formerly Invitae), Labcorp
Classification: Likely pathogenic for Joubert syndrome. Last evaluated: 2022-12-27. Review status: criteria provided, single submitter. Criteria: Invitae Variant Classification Sherloc (09022015). Collection method: clinical testing. Allele origin: germline.
Comment: Algorithms developed to predict the effect of sequence changes on RNA splicing suggest that this variant may disrupt the consensus splice site. In summary, the currently available evidence indicates that the variant is pathogenic, but additional data are needed to prove that conclusively. Therefore, this variant has been classified as Likely Pathogenic. This variant has not been reported in the literature in individuals affected with AHI1-related conditions. This variant is not present in population databases (gnomAD no frequency). This sequence change affects an acceptor splice site in intron 18 of the AHI1 gene. It is expected to disrupt RNA splicing. Variants that disrupt the donor or acceptor splice site typically lead to a loss of protein function (PMID: 16199547), and loss-of-function variants in AHI1 are known to be pathogenic (PMID: 15322546, 16453322, 28442542, 29186038).

Literature cited by the submitters: PubMed 16199547; PubMed 15322546; PubMed 16453322; PubMed 28442542; PubMed 29186038.